The following is an entry in ClinVar:

ClinVar aggregate classification (germline): Uncertain significance (1 of 4 stars; one submission).

Conditions:
Microcephaly, normal intelligence and immunodeficiency (NBS). Also called: Nijmegen breakage syndrome; Microcephaly with normal intelligence immunodeficiency and lymphoreticular malignancies; Nonsyndromal microcephaly autosomal recessive with normal intelligence; Seemanova syndrome 2; IMMUNODEFICIENCY, MICROCEPHALY, AND CHROMOSOMAL INSTABILITY; Ataxia telangiectasia variant V1. Identifiers: Orphanet 647, MedGen C0398791, MONDO:0009623, OMIM 251260.

Submission:

Labcorp Genetics (formerly Invitae), Labcorp
Classification: Uncertain significance for Microcephaly, normal intelligence and immunodeficiency. Last evaluated: 2020-02-20. Review status: criteria provided, single submitter. Criteria: Invitae Variant Classification Sherloc (09022015). Collection method: clinical testing. Allele origin: germline.
Comment: This variant results in a copy number gain of the genomic region encompassing exons 1-7 of the NBN gene, which includes the initiator codon. The 5' end of this event is unknown as it extends beyond the assayed region for this gene and therefore may encompass additional genes. The 3' boundary is likely confined to intron 7 of the NBN gene. As the precise location of this event is unknown, it may be in tandem or it may be located elsewhere in the genome. This variant has not been reported in the literature in individuals with NBN-related conditions. In summary, the available evidence is currently insufficient to determine the role of this variant in disease. Therefore, it has been classified as a Variant of Uncertain Significance.

NC_000008.10:g.(?_90982582)_(90996789_?)dup

Gene: NBN (nibrin; minus strand). Cytogenetic location: 8q21.3.
Variant type: Duplication.
Identifiers: ClinVar variation 2424468 (VCV002424468.2).